The following is an entry in ClinVar:

ClinVar aggregate classification (germline): Benign. Review status: criteria provided, multiple submitters, no conflicts (2 of 4 stars). 6 submissions from 6 submitters: Benign (6). Last evaluated 2026-02-04.

Conditions:
Congenital ichthyosis of skin. Identifiers: MedGen C0020758.

Allele frequency attached by ClinVar (database versions not stated): gnomAD exomes 0.21160 and 0.20946; 1000 Genomes Project 30x 0.21893; ESP Exome Variant Server 0.18976; gnomAD 0.19036 and 0.18903; ExAC 0.20572; TOPMed 0.19828; 1000 Genomes Project 0.22344.
gnomAD v4.1: 334,939 of 1,612,510 alleles (21%); highest among the groups gnomAD compares: East Asian, 44%; 37,283 homozygotes.

Submissions (6):

Labcorp Genetics (formerly Invitae), Labcorp
Classification: Benign. Last evaluated: 2026-02-04. Review status: criteria provided, single submitter. Criteria: Invitae Variant Classification Sherloc (09022015). Collection method: clinical testing. Allele origin: germline.

Women's Health and Genetics/Laboratory Corporation of America, LabCorp
Classification: Benign. Last evaluated: 2025-10-13. Review status: criteria provided, single submitter. Criteria: LabCorp Variant Classification Summary - May 2015. Collection method: clinical testing. Allele origin: germline.

Illumina Laboratory Services, Illumina
Classification: Benign for Congenital ichthyosis of skin. Last evaluated: 2018-01-13. Review status: criteria provided, single submitter. Criteria: ICSL Variant Classification Criteria 13 December 2019. Collection method: clinical testing. Allele origin: germline.
Comment: This variant was observed in the ICSL laboratory as part of a predisposition screen in an ostensibly healthy population. It had not been previously curated by ICSL or reported in the Human Gene Mutation Database (HGMD: prior to June 1st, 2018), and was therefore a candidate for classification through an automated scoring system. Utilizing variant allele frequency, disease prevalence and penetrance estimates, and inheritance mode, an automated score was calculated to assess if this variant is too frequent to cause the disease. Based on the score and internal cut-off values, a variant classified as benign is not then subjected to further curation. The score for this variant resulted in a classification of benign for this disease.

GeneDx
Classification: Benign. Last evaluated: 2015-03-03. Review status: criteria provided, single submitter. Criteria: GeneDx Variant Classification Process June 2021. Collection method: clinical testing. Allele origin: germline. Affected: yes.

Breakthrough Genomics
Classification: Benign. Review status: criteria provided, single submitter. Criteria: ACMG Guidelines, 2015. Collection method: not provided. Allele origin: germline. Inheritance: Autosomal recessive inheritance. Affected: yes.

PreventionGenetics, part of Exact Sciences
Classification: Benign. Review status: criteria provided, single submitter. Criteria: ACMG Guidelines, 2015. Collection method: clinical testing. Allele origin: germline.

NM_173076.3(ABCA12):c.888G>A (p.Val296=)

Gene: ABCA12 (ATP binding cassette subfamily A member 12; minus strand). Cytogenetic location: 2q35.
Variant type: single nucleotide variant.
Coding change: c.888G>A on transcript NM_173076.3 (MANE Select); coding-DNA position 888, G replaced by A.
Protein change: p.Val296=; no amino-acid change (valine 296 retained).
Molecular consequence: synonymous variant. On other transcripts: non-coding transcript variant (1).
Genome position (GRCh38, 1-based): chr2:215,037,050, C>T on the plus strand (G>A on the coding strand, the complement: ABCA12 is on the minus strand). VCF-style: chr2-215037050-C-T. GRCh37 (hg19) VCF-style: chr2-215901774-C-T.
Identifiers: ClinVar variation 262834 (VCV000262834.16), dbSNP rs17501837, ClinGen allele CA2092416.
Genomic context (GRCh38, chr2:215,037,050, plus strand): 5'-AACAGACTTCTGGAGGGTTCTGAAACCTTCGTTAGTTGCAAAACGTGGATAAACCTTCTG[C>T]ACAACCAGCAGCACACTAAGGAGTCAAAAAGCAATTAAACCAGATTCTGTTTCAAGGTTT-3'
Protein context (NP_775099.2, residues 286-306): LRKANSVLLV[Val296=]QKVYPRFATN